The following is an entry in ClinVar:

NM_024675.4(PALB2):c.2928G>A (p.Arg976=)

Gene: PALB2 (partner and localizer of BRCA2; minus strand). Cytogenetic location: 16p12.2.
Variant type: single nucleotide variant.
Coding change: c.2928G>A on transcript NM_024675.4 (MANE Select); coding-DNA position 2928, G replaced by A.
Protein change: p.Arg976=; no amino-acid change (arginine 976 retained).
Molecular consequence: synonymous variant.
Genome position (GRCh38, 1-based): chr16:23,623,037, C>T on the plus strand (G>A on the coding strand, the complement: PALB2 is on the minus strand). VCF-style: chr16-23623037-C-T. GRCh37 (hg19) VCF-style: chr16-23634358-C-T.
Identifiers: ClinVar variation 241556 (VCV000241556.13), dbSNP rs878855115, ClinGen allele CA10583353.

ClinVar aggregate classification (germline): Benign/Likely benign. Review status: criteria provided, multiple submitters, no conflicts (2 of 4 stars). 4 submissions from 4 submitters: Benign (1); Likely benign (3). Last evaluated 2025-01-21.

Conditions:
Hereditary cancer-predisposing syndrome. Also called: Tumor predisposition; Neoplastic Syndromes, Hereditary; Hereditary Cancer Syndrome; Hereditary neoplastic syndrome. Identifiers: Orphanet 140162, MedGen C0027672, MeSH D009386, MONDO:0015356.
Familial cancer of breast. Also called: Hereditary breast cancer; BREAST CANCER, FAMILIAL; hereditary breast carcinoma. Identifiers: Orphanet 227535, MedGen C0346153, MONDO:0016419, OMIM 114480. Disease mechanism: loss of function.

Submissions (4):

Myriad Genetics, Inc.
Classification: Benign for Familial cancer of breast. Last evaluated: 2025-01-21. Review status: criteria provided, single submitter. Criteria: Myriad Autosomal Dominant, Autosomal Recessive and X-Linked Classification Criteria (2023). Collection method: clinical testing. Allele origin: unknown.
Comment: This variant is considered benign. This variant is a silent/synonymous amino acid change and it is not expected to impact splicing.

Ambry Genetics
Classification: Likely benign for Hereditary cancer-predisposing syndrome. Last evaluated: 2024-12-20. Review status: criteria provided, single submitter. Criteria: Ambry Variant Classification Scheme 2023. Collection method: clinical testing. Allele origin: germline.

Labcorp Genetics (formerly Invitae), Labcorp
Classification: Likely benign for Familial cancer of breast. Last evaluated: 2024-07-21. Review status: criteria provided, single submitter. Criteria: Invitae Variant Classification Sherloc (09022015). Collection method: clinical testing. Allele origin: germline.

GeneDx
Classification: Likely benign. Last evaluated: 2017-01-31. Review status: criteria provided, single submitter. Criteria: GeneDx Variant Classification (06012015). Collection method: clinical testing. Allele origin: germline. Affected: yes.
Comment: This variant is considered likely benign or benign based on one or more of the following criteria: it is a conservative change, it occurs at a poorly conserved position in the protein, it is predicted to be benign by multiple in silico algorithms, and/or has population frequency not consistent with disease.